The following is an entry in ClinVar:

ClinVar aggregate classification (germline): Conflicting classifications of pathogenicity. Review status: criteria provided, conflicting classifications (1 of 4 stars). 3 submissions from 3 submitters: Uncertain significance (2); Likely benign (1). Last evaluated 2025-11-04.

Conditions:
Inborn genetic diseases. Identifiers: MedGen C0950123, MeSH D030342.
CREBBP-related disorder. Also called: CREBBP-related condition; CREBBP-related disorders.
Rubinstein-Taybi syndrome (RSTS). Identifiers: Orphanet 783, MedGen C0035934, MONDO:0019188.

Submissions (3):

PreventionGenetics, part of Exact Sciences
Classification: Uncertain significance for CREBBP-related condition. Last evaluated: 2025-11-04. Review status: criteria provided, single submitter. Criteria: ACMG Guidelines, 2015. Collection method: clinical testing. Allele origin: germline.
Comment: The CREBBP c.6743_6745delAGC variant is predicted to result in an in-frame deletion (p.Gln2248del). To our knowledge, this variant has not been reported in the literature. This variant is reported in 0.010% of alleles in individuals of European (Finnish) descent in gnomAD. At this time, the clinical significance of this variant is uncertain due to the absence of conclusive functional and genetic evidence.

Labcorp Genetics (formerly Invitae), Labcorp
Classification: Uncertain significance for Rubinstein-Taybi syndrome. Last evaluated: 2024-10-09. Review status: criteria provided, single submitter. Criteria: Invitae Variant Classification Sherloc (09022015). Collection method: clinical testing. Allele origin: germline.
Comment: This variant, c.6743_6745del, results in the deletion of 1 amino acid(s) of the CREBBP protein (p.Gln2248del), but otherwise preserves the integrity of the reading frame. The frequency data for this variant in the population databases is considered unreliable, as metrics indicate poor data quality at this position in the gnomAD database. This variant has not been reported in the literature in individuals affected with CREBBP-related conditions. ClinVar contains an entry for this variant (Variation ID: 1755198). Experimental studies and prediction algorithms are not available or were not evaluated, and the functional significance of this variant is currently unknown. In summary, the available evidence is currently insufficient to determine the role of this variant in disease. Therefore, it has been classified as a Variant of Uncertain Significance.

Ambry Genetics
Classification: Likely benign for Inborn genetic diseases. Last evaluated: 2018-11-30. Review status: criteria provided, single submitter. Criteria: Ambry Variant Classification Scheme 2023. Collection method: clinical testing. Allele origin: germline.

NM_004380.3(CREBBP):c.6734AGC[3] (p.Gln2248del)

Gene: CREBBP (CREB binding lysine acetyltransferase; minus strand). Cytogenetic location: 16p13.3.
Variant type: Microsatellite.
Coding change: c.6734AGC[3] on transcript NM_004380.3 (MANE Select); three copies in a row of the 3-base unit AGC starting at c.6734; the reference has four copies in a row; one copy, 3 bases deleted.
Protein change: p.Gln2248del; deletes glutamine 2248.
Molecular consequence: inframe deletion.
Genome position (GRCh38, 1-based): chr16:3,728,302-3,728,304, GCT deleted on the plus strand (AGC on the coding strand, the reverse complement: CREBBP is on the minus strand); deleting any 3 consecutive bases within chr16:3,728,302-3,728,315 gives the same sequence; the position shown is the placement nearest the transcript's 3' end. VCF-style (leftmost placement, unchanged base first): chr16-3728301-CGCT-C. GRCh37 (hg19) VCF-style: chr16-3778302-CGCT-C.
Other names: c.6620AGC[3], p.Gln2210del (NM_001079846.1); short protein forms Q2210del, Q2248del.
Identifiers: ClinVar variation 1755198 (VCV001755198.7), dbSNP rs753283086, ClinGen allele CA7869011.
Genomic context (GRCh38, chr16:3,728,301, plus strand): 5'-CCCATCTGAGCCGCCATCTGGCCCATGGAGCTGCCCTGGAGGGGGAGATGCTGCTGCATG[CGCT>C]GCTGCTGCTGCATGGCCGGTGGGTAGCCTCCGGGTCCTTGAGGCTGCTGGAACTGGCCGT-3'